The following is an entry in ClinVar:

NM_000181.4(GUSB):c.147C>T (p.Ala49=)

Gene: GUSB (glucuronidase beta; minus strand). Cytogenetic location: 7q11.21.
Variant type: single nucleotide variant.
Coding change: c.147C>T on transcript NM_000181.4 (MANE Select); coding-DNA position 147, C replaced by T.
Protein change: p.Ala49=; no amino-acid change (alanine 49 retained).
Molecular consequence: synonymous variant. On other transcripts: 5 prime UTR variant (2), non-coding transcript variant (1).
Genome position (GRCh38, 1-based): chr7:65,982,037, G>A on the plus strand (C>T on the coding strand, the complement: GUSB is on the minus strand). VCF-style: chr7-65982037-G-A. GRCh37 (hg19) VCF-style: chr7-65447024-G-A.
Other names: c.147C>T, p.Ala49= (NM_001284290.2); c.-239C>T (NM_001293104.2); c.-183C>T (NM_001293105.2); c.147C>T (NM_000181.3).
Identifiers: ClinVar variation 1135642 (VCV001135642.12), dbSNP rs375940373, ClinGen allele CA4276742.

ClinVar aggregate classification (germline): Likely benign. Review status: criteria provided, multiple submitters, no conflicts (2 of 4 stars). 3 submissions from 3 submitters: Likely benign (2). 1 of the submissions does not count toward it. Last evaluated 2026-02-02.

Conditions:
GUSB-related disorder. Also called: GUSB-related condition.
Mucopolysaccharidosis type 7 (MPS7). Also called: BETA-GLUCURONIDASE DEFICIENCY; GUSB DEFICIENCY; SLY SYNDROME; MPS VII. Identifiers: Orphanet 584, MedGen C0085132, MONDO:0009662, OMIM 253220.

Allele frequency attached by ClinVar (database versions not stated): ESP Exome Variant Server 0.00008; gnomAD exomes 0.00009 and 0.00015; ExAC 0.00010; gnomAD 0.00016 and 0.00017; TOPMed 0.00024.
gnomAD v4.1: 174 of 1,610,536 alleles (0.011%); highest among the groups gnomAD compares: Middle Eastern, 0.2%; 1 homozygote.

Submissions (3):

Labcorp Genetics (formerly Invitae), Labcorp
Classification: Likely benign for Mucopolysaccharidosis type 7. Last evaluated: 2026-02-02. Review status: criteria provided, single submitter. Criteria: Invitae Variant Classification Sherloc (09022015). Collection method: clinical testing. Allele origin: germline.

Blueprint Genetics
Classification: Likely benign. Last evaluated: 2024-09-13. Review status: criteria provided, single submitter. Criteria: ACMG Guidelines, 2015. Collection method: clinical testing. Allele origin: germline.

PreventionGenetics, part of Exact Sciences
Classification: Likely benign for GUSB-related condition. Last evaluated: 2022-12-09. Review status: no assertion criteria provided. Collection method: clinical testing. Allele origin: germline. Not counted in ClinVar's aggregate classification.
Comment: This variant is classified as likely benign based on ACMG/AMP sequence variant interpretation guidelines (Richards et al. 2015 PMID: 25741868, with internal and published modifications).